The following is an entry in ClinVar:

NM_005458.8(GABBR2):c.898T>C (p.Ser300Pro)

Gene: GABBR2 (gamma-aminobutyric acid type B receptor subunit 2; minus strand). Cytogenetic location: 9q22.33.
Variant type: single nucleotide variant.
Coding change: c.898T>C on transcript NM_005458.8 (MANE Select); coding-DNA position 898, T replaced by C.
Protein change: p.Ser300Pro; replaces serine 300 with proline.
Molecular consequence: missense variant.
Genome position (GRCh38, 1-based): chr9:98,473,247, A>G on the plus strand (T>C on the coding strand, the complement: GABBR2 is on the minus strand). VCF-style: chr9-98473247-A-G. GRCh37 (hg19) VCF-style: chr9-101235529-A-G.
Other names: short protein forms S300P.
Identifiers: ClinVar variation 3677626 (VCV003677626.2).

ClinVar aggregate classification (germline): Uncertain significance (1 of 4 stars; one submission).

Conditions:
Epileptic encephalopathy. Identifiers: MedGen C0543888, HP:0200134.

Submission:

Labcorp Genetics (formerly Invitae), Labcorp
Classification: Uncertain significance for Epileptic encephalopathy. Last evaluated: 2024-09-27. Review status: criteria provided, single submitter. Criteria: Invitae Variant Classification Sherloc (09022015). Collection method: clinical testing. Allele origin: germline.
Comment: This sequence change replaces serine, which is neutral and polar, with proline, which is neutral and non-polar, at codon 300 of the GABBR2 protein (p.Ser300Pro). This variant is not present in population databases (gnomAD no frequency). This variant has not been reported in the literature in individuals affected with GABBR2-related conditions. Invitae Evidence Modeling of protein sequence and biophysical properties (such as structural, functional, and spatial information, amino acid conservation, physicochemical variation, residue mobility, and thermodynamic stability) indicates that this missense variant is not expected to disrupt GABBR2 protein function with a negative predictive value of 80%. In summary, the available evidence is currently insufficient to determine the role of this variant in disease. Therefore, it has been classified as a Variant of Uncertain Significance.